The following is an entry in ClinVar:

NM_001046.3(SLC12A2):c.306_320del (p.Ala103_Ala107del)

Genes: SLC12A2 (solute carrier family 12 member 2; plus strand), LOC129994526 (ATAC-STARR-seq lymphoblastoid silent region 16295; plus strand). Cytogenetic location: 5q23.3.
Variant type: Deletion.
Coding change: c.306_320del on transcript NM_001046.3 (MANE Select); coding-DNA positions 306 to 320, 15 bases deleted (GGCAGCGGCGGCGGC).
Protein change: p.Ala103_Ala107del.
Molecular consequence: inframe deletion. On other transcripts: non-coding transcript variant (1).
Genome position (GRCh38, 1-based): chr5:128,084,260-128,084,274, GGCAGCGGCGGCGGC deleted; deleting any 15 consecutive bases within chr5:128,084,249-128,084,274 gives the same sequence; the c. name uses the placement nearest the transcript's 3' end. VCF-style (leftmost placement, unchanged base first): chr5-128084248-GGCGGCGGCGGCGGCA-G. GRCh37 (hg19) VCF-style: chr5-127419940-GGCGGCGGCGGCGGCA-G.
Other names: c.306_320del, p.Ala103_Ala107del (NM_001256461.2); c.306_320del15 (NM_001046.2).
Identifiers: ClinVar variation 1906771 (VCV001906771.6), dbSNP rs1238147587, ClinGen allele CA563056121.

ClinVar aggregate classification (germline): Uncertain significance. Review status: criteria provided, multiple submitters, no conflicts (2 of 4 stars). 2 submissions from 2 submitters: Uncertain significance (2). Last evaluated 2026-08-21.

Conditions:
SLC12A2-related disorder. Also called: SLC12A2-related disorders; SLC12A2-related condition.

Submissions (2):

PreventionGenetics, part of Exact Sciences
Classification: Uncertain significance for SLC12A2-related condition. Last evaluated: 2026-08-21. Review status: criteria provided, single submitter. Criteria: ACMG Guidelines, 2015. Collection method: clinical testing. Allele origin: germline.
Comment: The SLC12A2 c.306_320del15 variant is predicted to result in an in-frame deletion (p.Ala103_Ala107del). To our knowledge, this variant has not been reported in the literature. This variant is reported in 0.031% of alleles in individuals of European (Finnish) descent in gnomAD. At this time, the clinical significance of this variant is uncertain due to the absence of conclusive functional and genetic evidence.

Labcorp Genetics (formerly Invitae), Labcorp
Classification: Uncertain significance. Last evaluated: 2024-02-06. Review status: criteria provided, single submitter. Criteria: Invitae Variant Classification Sherloc (09022015). Collection method: clinical testing. Allele origin: germline.
Comment: This variant, c.306_320del, results in the deletion of 5 amino acid(s) of the SLC12A2 protein (p.Ala103_Ala107del), but otherwise preserves the integrity of the reading frame. The frequency data for this variant in the population databases is considered unreliable, as metrics indicate poor data quality at this position in the gnomAD database. This variant has not been reported in the literature in individuals affected with SLC12A2-related conditions. ClinVar contains an entry for this variant (Variation ID: 1906771). Experimental studies and prediction algorithms are not available or were not evaluated, and the functional significance of this variant is currently unknown. In summary, the available evidence is currently insufficient to determine the role of this variant in disease. Therefore, it has been classified as a Variant of Uncertain Significance.